The following is an entry in ClinVar:

NM_000443.4(ABCB4):c.1119+4dup

Gene: ABCB4 (ATP binding cassette subfamily B member 4; minus strand). Cytogenetic location: 7q21.12.
Variant type: Duplication.
Coding change: c.1119+4dup on transcript NM_000443.4 (MANE Select); 4 bases into the intron after coding-DNA position 1119, one base duplicated (A; older notation c.1119+4dupA).
Molecular consequence: intron variant.
Genome position (GRCh38, 1-based): chr7:87,444,858, T duplicated on the plus strand (A on the coding strand, the reverse complement: ABCB4 is on the minus strand); the first of 2 consecutive T bases (chr7:87,444,858-87,444,859); duplicating either gives the same sequence. VCF-style (leftmost placement, unchanged base first): chr7-87444857-C-CT. GRCh37 (hg19) VCF-style: chr7-87074173-C-CT.
Other names: c.1119+4dup (NM_018850.3, NM_018849.3).
Identifiers: ClinVar variation 4992248 (VCV004992248.1).

ClinVar aggregate classification (germline): Uncertain significance (1 of 4 stars; one submission).

Conditions:
ABCB4-related disorder. Also called: ABCB4-related disorders; ABCB4-related condition.

Submission:

PreventionGenetics, part of Exact Sciences
Classification: Uncertain significance for ABCB4-related condition. Last evaluated: 2026-05-26. Review status: criteria provided, single submitter. Criteria: ACMG Guidelines, 2015. Collection method: clinical testing. Allele origin: germline.
Comment: The ABCB4 c.1119+4dupA variant is predicted to result in an intronic duplication. To our knowledge, this variant has not been reported in the literature or in a large population database (gnomAD), indicating this variant is rare. At this time, the clinical significance of this variant is uncertain due to the absence of conclusive functional and genetic evidence.